The following is an entry in ClinVar:

NM_000051.4(ATM):c.7328_7331inv (p.Arg2443_Glu2444delinsLeuSer)

Genes: ATM (ATM serine/threonine kinase; plus strand), C11orf65 (chromosome 11 open reading frame 65; minus strand). Cytogenetic location: 11q22.3.
Variant type: Inversion.
Coding change: c.7328_7331inv on transcript NM_000051.4 (MANE Select).
Protein change: p.Arg2443_Glu2444delinsLeuSer.
Molecular consequence: missense variant. On other transcripts: intron variant (2).
Genome position: GRCh38 VCF-style: chr11-108330234-GAGA-TCTC. GRCh37 (hg19) VCF-style: chr11-108200961-GAGA-TCTC.
Other names: c.7328_7331inv, p.Arg2443_Glu2444delinsLeuSer (NM_001351834.2); c.641-21166_641-21163inv (NM_001330368.2); c.*38+4983_*38+4986inv (NM_001351110.2).
Identifiers: ClinVar variation 1480462 (VCV001480462.9), ClinGen allele CA2573146676.

ClinVar aggregate classification (germline): Uncertain significance (1 of 4 stars; one submission).

Conditions:
Ataxia-telangiectasia syndrome (AT). Also called: LOUIS-BAR SYNDROME; Cerebello-oculocutaneous telangiectasia; Immunodeficiency with ataxia telangiectasia; Ataxia telangiectasia (A-T); Ataxia-telangiectasia, complementation group D; AT, COMPLEMENTATION GROUP C. Identifiers: Orphanet 100, MedGen C0004135, MONDO:0008840, OMIM 208900.

Submission:

Labcorp Genetics (formerly Invitae), Labcorp
Classification: Uncertain significance for Ataxia-telangiectasia syndrome. Last evaluated: 2021-03-29. Review status: criteria provided, single submitter. Criteria: Invitae Variant Classification Sherloc (09022015). Collection method: clinical testing. Allele origin: germline.
Comment: In summary, the available evidence is currently insufficient to determine the role of this variant in disease. Therefore, it has been classified as a Variant of Uncertain Significance. Experimental studies and prediction algorithms are not available or were not evaluated, and the functional significance of this variant is currently unknown. This variant has not been reported in the literature in individuals with ATM-related conditions. The frequency data for this variant in the population databases is not available, as this variant may be reported as separate entries in the ExAC database. This variant, c.7328_7331delinsTCTC, is a complex sequence change that results in the deletion of 2 and insertion of 2 amino acid(s) in the ATM protein (p.Arg2443_Glu2444delinsLeuSer).